The following is an entry in ClinVar:

NM_000554.6(CRX):c.673A>G (p.Met225Val)

Gene: CRX (cone-rod homeobox; plus strand). Cytogenetic location: 19q13.33.
Variant type: single nucleotide variant.
Coding change: c.673A>G on transcript NM_000554.6 (MANE Select); coding-DNA position 673, A replaced by G.
Protein change: p.Met225Val; replaces methionine 225 with valine.
Molecular consequence: missense variant.
Genome position (GRCh38, 1-based): chr19:47,839,740, A>G. VCF-style: chr19-47839740-A-G. GRCh37 (hg19) VCF-style: chr19-48342997-A-G.
Other names: short protein forms M225V.
Identifiers: ClinVar variation 2925993 (VCV002925993.3), dbSNP rs765976845, ClinGen allele CA309212970.

ClinVar aggregate classification (germline): Uncertain significance (1 of 4 stars; one submission).

Conditions:
Leber congenital amaurosis 7 (LCA7). Identifiers: Orphanet 65, MedGen C3151192, MONDO:0013449, OMIM 613829.
Cone-rod dystrophy 2 (CORD2). Also called: CONE-ROD RETINAL DYSTROPHY; Cone-rod retinal dystrophy 2. Identifiers: Orphanet 1872, MedGen C3489532, MONDO:0007362, OMIM 120970.

Submission:

Labcorp Genetics (formerly Invitae), Labcorp
Classification: Uncertain significance for Cone-rod dystrophy 2; Leber congenital amaurosis 7. Last evaluated: 2023-06-24. Review status: criteria provided, single submitter. Criteria: Invitae Variant Classification Sherloc (09022015). Collection method: clinical testing. Allele origin: germline.
Comment: This sequence change replaces methionine, which is neutral and non-polar, with valine, which is neutral and non-polar, at codon 225 of the CRX protein (p.Met225Val). In summary, the available evidence is currently insufficient to determine the role of this variant in disease. Therefore, it has been classified as a Variant of Uncertain Significance. Advanced modeling of protein sequence and biophysical properties (such as structural, functional, and spatial information, amino acid conservation, physicochemical variation, residue mobility, and thermodynamic stability) performed at Invitae indicates that this missense variant is not expected to disrupt CRX protein function. This variant has not been reported in the literature in individuals affected with CRX-related conditions. This variant is not present in population databases (gnomAD no frequency).